The following is an entry in ClinVar:

NM_001029883.3(PCARE):c.3488G>A (p.Trp1163Ter)

Gene: PCARE (photoreceptor cilium actin regulator; minus strand). Cytogenetic location: 2p23.2.
Variant type: single nucleotide variant.
Coding change: c.3488G>A on transcript NM_001029883.3 (MANE Select); coding-DNA position 3488, G replaced by A.
Protein change: p.Trp1163Ter; replaces tryptophan 1163 with a stop codon.
Molecular consequence: nonsense.
Genome position (GRCh38, 1-based): chr2:29,070,774, C>T on the plus strand (G>A on the coding strand, the complement: PCARE is on the minus strand). VCF-style: chr2-29070774-C-T. GRCh37 (hg19) VCF-style: chr2-29293640-C-T.
Other names: short protein forms W1163*.
Identifiers: ClinVar variation 841160 (VCV000841160.7), dbSNP rs763749755, ClinGen allele CA1591918.
Genomic context (GRCh38, chr2:29,070,774, plus strand): 5'-GCACACAGAGCTGCTCTCCGCTGCGAGTCTGCTCTCAGCCAAGGCCCTGAGCTGTTCTTC[C>T]AGCATTCTGCTGGGTTCCCGAGAGGGCCCCCAGCCTCTGGCGGCAGCGATGGTGGGGTCA-3'

ClinVar aggregate classification (germline): Pathogenic (1 of 4 stars; one submission).

Allele frequency attached by ClinVar (database versions not stated): gnomAD exomes below 0.00001; ExAC 0.00001; TOPMed 0.00001.
gnomAD v4.1: 1 of 1,614,128 alleles (0.000062%); highest among the groups gnomAD compares: Non-Finnish European, 0.000085%; no homozygotes.

Submission:

Labcorp Genetics (formerly Invitae), Labcorp
Classification: Pathogenic. Last evaluated: 2025-09-03. Review status: criteria provided, single submitter. Criteria: Invitae Variant Classification Sherloc (09022015). Collection method: clinical testing. Allele origin: germline.
Comment: This sequence change creates a premature translational stop signal (p.Trp1163*) in the PCARE gene. It is expected to result in an absent or disrupted protein product. Loss-of-function variants in PCARE are known to be pathogenic (PMID: 20398886, 24339724, 26496393). This variant is present in population databases (rs763749755, gnomAD 0.0009%). This variant has not been reported in the literature in individuals affected with PCARE-related conditions. ClinVar contains an entry for this variant (Variation ID: 841160). For these reasons, this variant has been classified as Pathogenic.

Literature cited by the submitters: PubMed 20398886; PubMed 24339724; PubMed 26496393.